The following is an entry in ClinVar:

ClinVar aggregate classification (germline): Uncertain significance (1 of 4 stars; one submission).

Conditions:
Werner syndrome (WRN). Identifiers: Orphanet 902, MedGen C0043119, MONDO:0010196, OMIM 277700.

Submission:

Labcorp Genetics (formerly Invitae), Labcorp
Classification: Uncertain significance for Werner syndrome. Last evaluated: 2022-12-10. Review status: criteria provided, single submitter. Criteria: Invitae Variant Classification Sherloc (09022015). Collection method: clinical testing. Allele origin: germline.
Comment: In summary, the available evidence is currently insufficient to determine the role of this variant in disease. Therefore, it has been classified as a Variant of Uncertain Significance. Algorithms developed to predict the effect of missense changes on protein structure and function are either unavailable or do not agree on the potential impact of this missense change (SIFT: "Not Available"; PolyPhen-2: "Probably Damaging"; Align-GVGD: "Not Available"). This variant has not been reported in the literature in individuals affected with WRN-related conditions. This variant is not present in population databases (gnomAD no frequency). This sequence change replaces leucine, which is neutral and non-polar, with proline, which is neutral and non-polar, at codon 735 of the WRN protein (p.Leu735Pro).

NM_000553.6(WRN):c.2204T>C (p.Leu735Pro)

Gene: WRN (WRN RecQ like helicase; plus strand). Cytogenetic location: 8p12.
Variant type: single nucleotide variant.
Coding change: c.2204T>C on transcript NM_000553.6 (MANE Select); coding-DNA position 2204, T replaced by C.
Protein change: p.Leu735Pro; replaces leucine 735 with proline.
Molecular consequence: missense variant.
Genome position (GRCh38, 1-based): chr8:31,111,730, T>C. VCF-style: chr8-31111730-T-C. GRCh37 (hg19) VCF-style: chr8-30969246-T-C.
Other names: short protein forms L735P.
Identifiers: ClinVar variation 2075928 (VCV002075928.4), dbSNP rs2535969092, ClinGen allele CA370912797.